The following is an entry in ClinVar:

ClinVar aggregate classification (germline): Pathogenic (1 of 4 stars; one submission).

Conditions:
Familial cancer of breast. Also called: hereditary breast carcinoma; BREAST CANCER, FAMILIAL; Hereditary breast cancer. Identifiers: Orphanet 227535, MedGen C0346153, MONDO:0016419, OMIM 114480. Disease mechanism: loss of function.

Submission:

Labcorp Genetics (formerly Invitae), Labcorp
Classification: Pathogenic for Familial cancer of breast. Last evaluated: 2020-10-07. Review status: criteria provided, single submitter. Criteria: Invitae Variant Classification Sherloc (09022015). Collection method: clinical testing. Allele origin: germline.
Comment: This sequence change creates a premature translational stop signal (p.Leu58Phefs*16) in the PALB2 gene. It is expected to result in an absent or disrupted protein product. This variant is not present in population databases (ExAC no frequency). This variant has not been reported in the literature in individuals with PALB2-related conditions. Loss-of-function variants in PALB2 are known to be pathogenic (PMID: 17200668, 24136930, 25099575). For these reasons, this variant has been classified as Pathogenic.

Literature cited by the submitters: PubMed 17200668; PubMed 24136930; PubMed 25099575.

NM_024675.4(PALB2):c.173dup (p.Leu58fs)

Gene: PALB2 (partner and localizer of BRCA2; minus strand). Cytogenetic location: 16p12.2.
Variant type: Duplication.
Coding change: c.173dup on transcript NM_024675.4 (MANE Select); coding-DNA position 173, one base duplicated (T; older notation c.173dupT).
Protein change: p.Leu58fs; shifts the reading frame from leucine 58.
Molecular consequence: frameshift variant.
Genome position (GRCh38, 1-based): chr16:23,637,888, A duplicated on the plus strand (T on the coding strand, the reverse complement: PALB2 is on the minus strand); the first of 3 consecutive A bases (chr16:23,637,888-23,637,890); duplicating any one gives the same sequence. VCF-style (leftmost placement, unchanged base first): chr16-23637887-C-CA. GRCh37 (hg19) VCF-style: chr16-23649208-C-CA.
Other names: short protein forms L58fs.
Identifiers: ClinVar variation 1069151 (VCV001069151.8), dbSNP rs2142456344, ClinGen allele CA2499223456.
Genomic context (GRCh38, chr16:23,637,887, plus strand): 5'-ATAAGTGAATGGTCTAGATTTACCTGAGTGTTTTAGCTGCGGTGAGAGATCCTGCTGAGA[C>CA]AAACAATCTTGTTCTTCTACTGTTTTCTTAATAGAATGCTTAATCTTTTCAGCTCTTTGG-3'